The following is an entry in ClinVar:

NM_005061.3(RPL3L):c.1013C>G (p.Ala338Gly)

Gene: RPL3L (ribosomal protein L3 like; minus strand). Cytogenetic location: 16p13.3.
Variant type: single nucleotide variant.
Coding change: c.1013C>G on transcript NM_005061.3 (MANE Select); coding-DNA position 1013, C replaced by G.
Protein change: p.Ala338Gly; replaces alanine 338 with glycine.
Molecular consequence: missense variant.
Genome position (GRCh38, 1-based): chr16:1,945,869, G>C on the plus strand (C>G on the coding strand, the complement: RPL3L is on the minus strand). VCF-style: chr16-1945869-G-C. GRCh37 (hg19) VCF-style: chr16-1995870-G-C.
Other names: short protein forms A338G.
Identifiers: ClinVar variation 2498637 (VCV002498637.28), dbSNP rs147948209, ClinGen allele CA7822607.

ClinVar aggregate classification (germline): Likely benign (1 of 4 stars; one submission).

Allele frequency attached by ClinVar (database versions not stated): 1000 Genomes Project 0.00280; ExAC 0.00297; 1000 Genomes Project 30x 0.00344; ESP Exome Variant Server 0.00400.

Submission:

CeGaT Center for Human Genetics Tuebingen
Classification: Likely benign. Last evaluated: 2025-10-01. Review status: criteria provided, single submitter. Criteria: CeGaT Center For Human Genetics Tuebingen Variant Classification Criteria Version 2. Collection method: clinical testing. Allele origin: germline. Affected: yes. Observed: 4 variant alleles.
Comment: RPL3L: BP4, BS2